The following is an entry in ClinVar:

ClinVar aggregate classification (germline): Benign/Likely benign. Review status: criteria provided, multiple submitters, no conflicts (2 of 4 stars). 17 submissions from 17 submitters: Benign (11); Likely benign (4). 2 of the submissions do not count toward it. Last evaluated 2026-09-01.

Conditions:
Ehlers-Danlos syndrome (EDS). Identifiers: Orphanet 98249, MedGen C0013720, MONDO:0020066.
Connective tissue disorder. Also called: Connective tissue disease. Identifiers: MedGen C0009782, MONDO:0003900.
Loeys-Dietz syndrome 4 (LDS4). Also called: TGFB2-Related Loeys-Dietz Syndrome; ANEURYSM, AORTIC AND CEREBRAL, WITH ARTERIAL TORTUOSITY AND SKELETAL MANIFESTATIONS. Identifiers: MedGen C3553762, MONDO:0013897, OMIM 614816.
Familial thoracic aortic aneurysm and aortic dissection (TAAD). Also called: Thoracic aortic aneurysms and dissections. Identifiers: Orphanet 91387, MedGen C4707243, MONDO:0019625.

Allele frequency attached by ClinVar (database versions not stated): gnomAD 0.00087 and 0.00128; TOPMed 0.00091; ESP Exome Variant Server 0.00108; gnomAD exomes 0.00182 and 0.00296; 1000 Genomes Project 30x 0.00312; ExAC 0.00334; 1000 Genomes Project 0.00339.
gnomAD v4.1: 2,923 of 1,614,168 alleles (0.18%); highest among the groups gnomAD compares: South Asian, 1.3%; 19 homozygotes.

Submissions (17):

CeGaT Center for Human Genetics Tuebingen
Classification: Benign. Last evaluated: 2026-09-01. Review status: criteria provided, single submitter. Criteria: CeGaT Center For Human Genetics Tuebingen Variant Classification Criteria Version 2. Collection method: clinical testing. Allele origin: germline. Affected: yes. Observed: 7 variant alleles.
Comment: TGFB2: BP4, BS1, BS2

Molecular Diagnostic Laboratory for Inherited Cardiovascular Disease, Montreal Heart Institute
Classification: Benign. Last evaluated: 2026-03-27. Review status: criteria provided, single submitter. Criteria: ACMG Guidelines, 2015. Collection method: clinical testing. Allele origin: germline. Affected: no.

Labcorp Genetics (formerly Invitae), Labcorp
Classification: Benign for Loeys-Dietz syndrome 4. Last evaluated: 2026-02-03. Review status: criteria provided, single submitter. Criteria: Invitae Variant Classification Sherloc (09022015). Collection method: clinical testing. Allele origin: germline.

Blueprint Genetics
Classification: Likely benign. Last evaluated: 2024-11-14. Review status: criteria provided, single submitter. Criteria: ACMG Guidelines, 2015. Collection method: clinical testing. Allele origin: germline.

ARUP Laboratories, Molecular Genetics and Genomics, ARUP Laboratories
Classification: Benign for Loeys-Dietz syndrome 4. Last evaluated: 2023-04-17. Review status: criteria provided, single submitter. Criteria: ARUP Molecular Germline Variant Investigation Process 2024. Collection method: clinical testing. Allele origin: germline.

Mayo Clinic Laboratories, Mayo Clinic
Classification: Benign. Last evaluated: 2023-01-31. Review status: criteria provided, single submitter. Criteria: ACMG Guidelines, 2015. Collection method: clinical testing. Allele origin: germline. Observed: 9 variant alleles.
Comment: BS1, BS2, BP4, BP7

Genome Diagnostics Laboratory, The Hospital for Sick Children
Classification: Benign for Ehlers-Danlos syndrome. Last evaluated: 2022-05-30. Review status: criteria provided, single submitter. Criteria: ACMG Guidelines, 2015. Collection method: clinical testing. Allele origin: germline.

Fulgent Genetics
Classification: Benign for Loeys-Dietz syndrome 4. Last evaluated: 2021-10-27. Review status: criteria provided, single submitter. Criteria: ACMG Guidelines, 2015. Collection method: clinical testing. Allele origin: unknown.

Illumina Laboratory Services, Illumina
Classification: Benign for Loeys-Dietz syndrome 4. Last evaluated: 2018-01-13. Review status: criteria provided, single submitter. Criteria: ICSL Variant Classification Criteria 13 December 2019. Collection method: clinical testing. Allele origin: germline.
Comment: This variant was observed in the ICSL laboratory as part of a predisposition screen in an ostensibly healthy population. It had not been previously curated by ICSL or reported in the Human Gene Mutation Database (HGMD: prior to June 1st, 2018), and was therefore a candidate for classification through an automated scoring system. Utilizing variant allele frequency, disease prevalence and penetrance estimates, and inheritance mode, an automated score was calculated to assess if this variant is too frequent to cause the disease. Based on the score and internal cut-off values, a variant classified as benign is not then subjected to further curation. The score for this variant resulted in a classification of benign for this disease.

Women's Health and Genetics/Laboratory Corporation of America, LabCorp
Classification: Benign. Last evaluated: 2017-07-14. Review status: criteria provided, single submitter. Criteria: LabCorp Variant Classification Summary - May 2015. Collection method: clinical testing. Allele origin: germline.
Comment: Variant summary: The TGFB2 c.114G>A (p.Glu38Glu) variant involves the alteration of a conserved nucleotide, resulting in a synonymous change. Mutation taster predicts a damaging outcome for this variant. 5/5 splice prediction tools predict no significant impact on normal splicing. ESE finder predicts that this variant may affect binding of multiple ESE sites. However, these predictions have yet to be confirmed by functional studies. This variant was found in 405/121312 control chromosomes (3 homozygotes) from ExAC, predominantly observed in the South Asian subpopulation at a frequency of 0.013931 (230/16510). This frequency is about 1114 times the estimated maximal expected allele frequency of a pathogenic TGFB2 variant (0.0000125), suggesting this is likely a benign polymorphism found primarily in the populations of South Asian origin. In addition, multiple clinical diagnostic laboratories (via ClinVar) have classified this variant as benign/likely benign. Taken together, this variant is classified as benign.

Center for Human Genetics, Inc
Classification: Likely benign for Connective tissue disorder. Last evaluated: 2016-11-01. Review status: criteria provided, single submitter. Criteria: ACMG Guidelines, 2015. Collection method: clinical testing. Allele origin: germline. Affected: yes.

CHEO Genetics Diagnostic Laboratory, Children's Hospital of Eastern Ontario
Classification: Benign for Familial thoracic aortic aneurysm and aortic dissection. Last evaluated: 2016-03-30. Review status: criteria provided, single submitter. Criteria: ACMG Guidelines, 2015. Collection method: clinical testing. Allele origin: germline. Study: Canadian Open Genetics Repository.

Ambry Genetics
Classification: Likely benign for Familial thoracic aortic aneurysm and aortic dissection. Last evaluated: 2015-02-27. Review status: criteria provided, single submitter. Criteria: Ambry Variant Classification Scheme 2023. Collection method: clinical testing. Allele origin: germline.

GeneDx
Classification: Benign. Last evaluated: 2014-08-26. Review status: criteria provided, single submitter. Criteria: GeneDx Variant Classification (06012015). Collection method: clinical testing. Allele origin: germline. Affected: yes.
Comment: This variant is considered likely benign or benign based on one or more of the following criteria: it is a conservative change, it occurs at a poorly conserved position in the protein, it is predicted to be benign by multiple in silico algorithms, and/or has population frequency not consistent with disease.

Breakthrough Genomics
Classification: Likely benign. Review status: criteria provided, single submitter. Criteria: ACMG Guidelines, 2015. Collection method: not provided. Allele origin: germline. Inheritance: Autosomal dominant inheritance. Affected: yes.

Genome Diagnostics Laboratory, Amsterdam University Medical Center
Classification: Benign. Review status: no assertion criteria provided. Collection method: clinical testing. Allele origin: germline. Affected: yes. Study: VKGL Data-share Consensus. Not counted in ClinVar's aggregate classification.

Genome Diagnostics Laboratory, University Medical Center Utrecht
Classification: Benign. Review status: no assertion criteria provided. Collection method: clinical testing. Allele origin: germline. Affected: yes. Study: VKGL Data-share Consensus. Not counted in ClinVar's aggregate classification.

NM_003238.6(TGFB2):c.114G>A (p.Glu38=)

Gene: TGFB2 (transforming growth factor beta 2; plus strand). Cytogenetic location: 1q41.
Variant type: single nucleotide variant.
Coding change: c.114G>A on transcript NM_003238.6 (MANE Select); coding-DNA position 114, G replaced by A.
Protein change: p.Glu38=; no amino-acid change (glutamic acid 38 retained).
Molecular consequence: synonymous variant. On other transcripts: non-coding transcript variant (2).
Genome position (GRCh38, 1-based): chr1:218,346,815, G>A. VCF-style: chr1-218346815-G-A. GRCh37 (hg19) VCF-style: chr1-218520157-G-A.
Other names: p.E38E:GAG>GAA; p.Glu38=; c.114G>A (NM_001135599.3); c.114G>A, p.Glu38= (NM_001135599.4).
Identifiers: ClinVar variation 213834 (VCV000213834.58), dbSNP rs149215818, ClinGen allele CA324920.